The following is an entry in ClinVar:

ClinVar aggregate classification (germline): Uncertain significance (1 of 4 stars; one submission).

Submission:

GeneDx
Classification: Uncertain significance. Last evaluated: 2021-09-07. Review status: criteria provided, single submitter. Criteria: GeneDx Variant Classification Process June 2021. Collection method: clinical testing. Allele origin: germline. Affected: yes.
Comment: Has not been previously published as pathogenic or benign to our knowledge; Not observed at significant frequency in large population cohorts (Lek et al., 2016); In silico analysis supports that this missense variant does not alter protein structure/function

NM_001242896.3(DEPDC5):c.1558G>C (p.Ala520Pro)

Gene: DEPDC5 (DEP domain containing 5, GATOR1 subcomplex subunit; plus strand). Cytogenetic location: 22q12.3.
Variant type: single nucleotide variant.
Coding change: c.1558G>C on transcript NM_001242896.3 (MANE Select); coding-DNA position 1558, G replaced by C.
Protein change: p.Ala520Pro; replaces alanine 520 with proline.
Molecular consequence: missense variant. On other transcripts: non-coding transcript variant (5).
Genome position (GRCh38, 1-based): chr22:31,815,104, G>C. VCF-style: chr22-31815104-G-C. GRCh37 (hg19) VCF-style: chr22-32211090-G-C.
Other names: c.1558G>C, p.Ala520Pro (NM_001007188.4, NM_001136029.4, NM_001242897.2 and 7 more transcripts); c.1474G>C, p.Ala492Pro (NM_001369901.1, NM_001369902.1); short protein forms A492P, A520P.
Identifiers: ClinVar variation 1309488 (VCV001309488.2), dbSNP rs2088918630, ClinGen allele CA411278323.